The following is an entry in ClinVar:

ClinVar aggregate classification (germline): Conflicting classifications of pathogenicity. Review status: criteria provided, conflicting classifications (1 of 4 stars). 5 submissions from 5 submitters: Uncertain significance (4); Likely benign (1). Last evaluated 2025-11-17.

Conditions:
Weill-Marchesani syndrome 2, dominant. Also called: FBN1-Related Weill-Marchesani Syndrome; Weill-Marchesani Syndrome, Autosomal Dominant. Identifiers: Orphanet 2084, MedGen C1869115, MONDO:0012013, OMIM 608328.
Progeroid and marfanoid aspect-lipodystrophy syndrome. Also called: MARFANOID-PROGEROID SYNDROME; MARFAN-PROGEROID-LIPODYSTROPHY SYNDROME; Marfan lipodystrophy syndrome; MARFANOID-PROGEROID-LIPODYSTROPHY SYNDROME. Identifiers: Orphanet 300382, MedGen C4310796, MONDO:0014831, OMIM 616914.
Acromicric dysplasia (ACMICD). Also called: Acromicric skeletal dysplasia. Identifiers: Orphanet 969, MedGen C0265287, MONDO:0007055, OMIM 102370.
Ectopia lentis 1, isolated, autosomal dominant (ECTOL1). Identifiers: Orphanet 1885, MedGen C3541518, MONDO:0007514, OMIM 129600.
Geleophysic dysplasia 2 (GPHYSD2). Identifiers: Orphanet 2623, MedGen C3280054, MONDO:0013612, OMIM 614185.
Marfan syndrome (MFS). Also called: Marfan syndrome, classic; Marfan syndrome type 1; Marfan's syndrome; FBN1-Related Marfan Syndrome; MARFAN SYNDROME, TYPE I. Identifiers: Orphanet 284963, Orphanet 558, MedGen C0024796, MONDO:0007947, OMIM 154700.
MASS syndrome (OCTD). Also called: OVERLAP CONNECTIVE TISSUE DISEASE; MASS PHENOTYPE. Identifiers: MedGen C1858556, MONDO:0011431, OMIM 604308.
Stiff skin syndrome (SSKS). Identifiers: Orphanet 2833, MedGen C1861456, MONDO:0008492, OMIM 184900.
Familial thoracic aortic aneurysm and aortic dissection (TAAD). Also called: Thoracic aortic aneurysms and dissections. Identifiers: Orphanet 91387, MedGen C4707243, MONDO:0019625.

Allele frequency attached by ClinVar (database versions not stated): gnomAD exomes 0.00001 and 0.00003; 1000 Genomes Project 0.00020; gnomAD 0.00007; ESP Exome Variant Server 0.00008; 1000 Genomes Project 30x 0.00016; ExAC 0.00003; TOPMed 0.00005.
gnomAD v4.1: 18 of 1,613,556 alleles (0.0011%); highest among the groups gnomAD compares: African/African-American, 0.023%; no homozygotes.

Submissions (5):

Labcorp Genetics (formerly Invitae), Labcorp
Classification: Likely benign for Marfan syndrome; Familial thoracic aortic aneurysm and aortic dissection. Last evaluated: 2025-11-17. Review status: criteria provided, single submitter. Criteria: Invitae Variant Classification Sherloc (09022015). Collection method: clinical testing. Allele origin: germline.

GeneDx
Classification: Uncertain significance. Last evaluated: 2024-05-09. Review status: criteria provided, single submitter. Criteria: GeneDx Variant Classification Process June 2021. Collection method: clinical testing. Allele origin: germline. Affected: yes.
Comment: In silico analysis supports that this missense variant has a deleterious effect on protein structure/function; Has not been previously published as pathogenic or benign to our knowledge; Although located in a calcium-binding EGF-like domain of the FBN1 gene, it does not affect a cysteine residue within this domain; cysteine substitutions in the calcium-binding EGF-like domains represent the majority of pathogenic missense changes associated with FBN1-related disorders (PMID: 12938084); This variant is associated with the following publications: (PMID: 12938084)

All of Us Research Program, National Institutes of Health
Classification: Uncertain significance for Marfan syndrome. Last evaluated: 2023-12-18. Review status: criteria provided, single submitter. Criteria: ACMG Guidelines, 2015. Collection method: clinical testing. Allele origin: germline. Inheritance: Autosomal dominant inheritance. Observed: 1 variant allele, 1 heterozygote.
Comment: This missense variant replaces threonine with isoleucine at codon 1988 of the FBN1 protein. Computational prediction is inconclusive regarding the impact of this variant on protein structure and function (internally defined REVEL score threshold 0.5 < inconclusive < 0.7, PMID: 27666373). To our knowledge, functional studies have not been reported for this variant. This variant has not been reported in individuals affected with cardiovascular disorders in the literature. This variant has been identified in 8/282526 chromosomes in the general population by the Genome Aggregation Database (gnomAD). The available evidence is insufficient to determine the role of this variant in disease conclusively. Therefore, this variant is classified as a Variant of Uncertain Significance.

This study involves interpretation of variants in research participants for the purpose of population health screening. Participant phenotype was not available at the time of variant classification. Additional details can be found in publication PMID: 35346344, PMCID: PMC8962531

Color Diagnostics, LLC DBA Color Health
Classification: Uncertain significance for Familial thoracic aortic aneurysm and aortic dissection. Last evaluated: 2023-11-27. Review status: criteria provided, single submitter. Criteria: ACMG Guidelines, 2015. Collection method: clinical testing. Allele origin: germline.
Comment: This missense variant replaces threonine with isoleucine at codon 1988 of the FBN1 protein. Computational prediction tool indicates that this variant may have an uncertain impact on protein structure and function. To our knowledge, functional studies have not been reported for this variant. This variant has not been reported in individuals affected with FBN1-related disorders in the literature. This variant has been identified in 8/282526 chromosomes in the general population by the Genome Aggregation Database (gnomAD). The available evidence is insufficient to determine the role of this variant in disease conclusively. Therefore, this variant is classified as a Variant of Uncertain Significance.

Fulgent Genetics
Classification: Uncertain significance for Acromicric dysplasia; Ectopia lentis 1, isolated, autosomal dominant; Marfan syndrome; Stiff skin syndrome; MASS syndrome; Weill-Marchesani syndrome 2, dominant; Geleophysic dysplasia 2; Progeroid and marfanoid aspect-lipodystrophy syndrome. Last evaluated: 2021-12-03. Review status: criteria provided, single submitter. Criteria: ACMG Guidelines, 2015. Collection method: clinical testing. Allele origin: unknown.

NM_000138.5(FBN1):c.5963C>T (p.Thr1988Ile)

Gene: FBN1 (fibrillin 1; minus strand). Cytogenetic location: 15q21.1.
Variant type: single nucleotide variant.
Coding change: c.5963C>T on transcript NM_000138.5 (MANE Select); coding-DNA position 5963, C replaced by T.
Protein change: p.Thr1988Ile; replaces threonine 1988 with isoleucine.
Molecular consequence: missense variant.
Genome position (GRCh38, 1-based): chr15:48,444,615, G>A on the plus strand (C>T on the coding strand, the complement: FBN1 is on the minus strand). VCF-style: chr15-48444615-G-A. GRCh37 (hg19) VCF-style: chr15-48736812-G-A.
Other names: short protein forms T1988I.
Identifiers: ClinVar variation 921917 (VCV000921917.13), dbSNP rs142912485, ClinGen allele CA055904.